The following is an entry in ClinVar:

ClinVar aggregate classification (germline): Uncertain significance (1 of 4 stars; one submission).

Allele frequency attached by ClinVar (database versions not stated): gnomAD 0.00064 and 0.00069; TOPMed 0.00065; ExAC 0.00072; gnomAD exomes 0.00078; ESP Exome Variant Server 0.00085.

Submission:

Labcorp Genetics (formerly Invitae), Labcorp
Classification: Uncertain significance. Last evaluated: 2022-09-27. Review status: criteria provided, single submitter. Criteria: Invitae Variant Classification Sherloc (09022015). Collection method: clinical testing. Allele origin: germline.
Comment: This sequence change replaces leucine, which is neutral and non-polar, with methionine, which is neutral and non-polar, at codon 175 of the NNT protein (p.Leu175Met). This variant is present in population databases (rs145205428, gnomAD 0.1%), and has an allele count higher than expected for a pathogenic variant. This variant has not been reported in the literature in individuals affected with NNT-related conditions. ClinVar contains an entry for this variant (Variation ID: 1485912). Algorithms developed to predict the effect of missense changes on protein structure and function are either unavailable or do not agree on the potential impact of this missense change (SIFT: "Tolerated"; PolyPhen-2: "Probably Damaging"; Align-GVGD: "Class C0"). In summary, the available evidence is currently insufficient to determine the role of this variant in disease. Therefore, it has been classified as a Variant of Uncertain Significance.

NM_182977.3(NNT):c.523C>A (p.Leu175Met)

Gene: NNT (nicotinamide nucleotide transhydrogenase; plus strand). Cytogenetic location: 5p12.
Variant type: single nucleotide variant.
Coding change: c.523C>A on transcript NM_182977.3 (MANE Select); coding-DNA position 523, C replaced by A.
Protein change: p.Leu175Met; replaces leucine 175 with methionine.
Molecular consequence: missense variant.
Genome position (GRCh38, 1-based): chr5:43,615,989, C>A. VCF-style: chr5-43615989-C-A. GRCh37 (hg19) VCF-style: chr5-43616091-C-A.
Other names: c.130C>A, p.Leu44Met (NM_001331026.2); c.523C>A, p.Leu175Met (NM_012343.4); short protein forms L175M, L44M.
Identifiers: ClinVar variation 1485912 (VCV001485912.3), dbSNP rs145205428, ClinGen allele CA3257732.